The following is an entry in ClinVar:

NM_178822.5(IGSF10):c.7810A>G (p.Lys2604Glu)

Gene: IGSF10 (immunoglobulin superfamily member 10; minus strand). Cytogenetic location: 3q25.1.
Variant type: single nucleotide variant.
Coding change: c.7810A>G on transcript NM_178822.5 (MANE Select); coding-DNA position 7810, A replaced by G.
Protein change: p.Lys2604Glu; replaces lysine 2604 with glutamic acid.
Molecular consequence: missense variant.
Genome position (GRCh38, 1-based): chr3:151,436,751, T>C on the plus strand (A>G on the coding strand, the complement: IGSF10 is on the minus strand). VCF-style: chr3-151436751-T-C. GRCh37 (hg19) VCF-style: chr3-151154539-T-C.
Other names: c.1747A>G, p.Lys583Glu (NM_001178145.3, NM_001178146.3); c.7810A>G, p.Lys2604Glu (NM_001385060.1, NM_001385061.1, NM_001385062.1 and 1 more transcripts); short protein forms K2604E, K583E.
Identifiers: ClinVar variation 4678217 (VCV004678217.3).

ClinVar aggregate classification (germline): Conflicting classifications of pathogenicity. Review status: criteria provided, conflicting classifications (1 of 4 stars). 2 submissions from 2 submitters: Uncertain significance (1); Likely benign (1). Last evaluated 2026-05-01.

gnomAD v4.1: 5 of 1,614,172 alleles (0.00031%); highest among the groups gnomAD compares: Middle Eastern, 0.017%; no homozygotes.

Submissions (2):

CeGaT Center for Human Genetics Tuebingen
Classification: Likely benign. Last evaluated: 2026-05-01. Review status: criteria provided, single submitter. Criteria: CeGaT Center For Human Genetics Tuebingen Variant Classification Criteria Version 2. Collection method: clinical testing. Allele origin: germline. Affected: yes. Observed: 1 variant allele.
Comment: IGSF10: BP4

Ambry Genetics
Classification: Uncertain significance. Last evaluated: 2025-11-26. Review status: criteria provided, single submitter. Criteria: Ambry Variant Classification Scheme 2023. Collection method: clinical testing. Allele origin: germline.